The following is an entry in ClinVar:

NM_001754.5(RUNX1):c.994G>A (p.Asp332Asn)

Gene: RUNX1 (RUNX family transcription factor 1; minus strand). Cytogenetic location: 21q22.12.
Variant type: single nucleotide variant.
Coding change: c.994G>A on transcript NM_001754.5 (MANE Select); coding-DNA position 994, G replaced by A.
Protein change: p.Asp332Asn; replaces aspartic acid 332 with asparagine.
Molecular consequence: missense variant.
Genome position (GRCh38, 1-based): chr21:34,792,584, C>T on the plus strand (G>A on the coding strand, the complement: RUNX1 is on the minus strand). VCF-style: chr21-34792584-C-T. GRCh37 (hg19) VCF-style: chr21-36164881-C-T.
Other names: NM_001754.5(RUNX1):c.994G>A; p.Asp332Asn; c.913G>A, p.Asp305Asn (NM_001001890.3); short protein forms D332N, D305N.
Identifiers: ClinVar variation 573116 (VCV000573116.15), dbSNP rs757030094, ClinGen allele CA10014225.
Genomic context (GRCh38, chr21:34,792,584, plus strand): 5'-CGCCTGGATAGTGCATGCGGGGGTCGGAGATGGAGGGCAGCGCGGGGAACTGGCGCGGGT[C>T]GCTGAACGCTGTCAGGTCGGGTGCCGCTGCAGGGCGGGCAAGAGAACGGAGCGGAAGTGA-3'
Protein context (NP_001745.2, residues 322-342): STAPDLTAFS[Asp332Asn]PRQFPALPSI

ClinVar aggregate classification (germline): Likely benign. Review status: reviewed by expert panel (3 of 4 stars). 5 submissions from 5 submitters: Likely benign (1). 4 of the submissions do not count toward it. Last evaluated 2024-09-18.

Conditions:
Hereditary thrombocytopenia and hematologic cancer predisposition syndrome. Identifiers: Orphanet 71290, MedGen CN281654, MONDO:0011071.
Inborn genetic diseases. Identifiers: MedGen C0950123, MeSH D030342.
Hereditary thrombocytopenia and hematological cancer predisposition syndrome associated with RUNX1. Also called: RUNX1 Familial Platelet Disorder with Associated Myeloid Malignancies; Familial Platelet Disorder with Propensity to Acute Myelogenous Leukemia; Familial thrombocytopenia with propensity to acute myelogenous leukemia; PLATELET DISORDER, ASPIRIN-LIKE. Identifiers: Orphanet 71290, MedGen C1832388, MeSH C563324, MONDO:0100083, OMIM 601399.

Allele frequency attached by ClinVar (database versions not stated): gnomAD 0.00003.
gnomAD v4.1: 20 of 1,599,730 alleles (0.0013%); highest among the groups gnomAD compares: East Asian, 0.043%; no homozygotes.

Submissions (5):

ClinGen Myeloid Malignancy Variant Curation Expert Panel
Classification: Likely benign for Hereditary thrombocytopenia and hematologic cancer predisposition syndrome. Last evaluated: 2024-09-18. Review status: reviewed by expert panel. Criteria: ClinGen MyeloMalig ACMG Specifications v2. Collection method: curation. Allele origin: germline. Inheritance: Autosomal dominant inheritance.
Comment: NM_001754.5(RUNX1):c.994G>A (p.Asp332Asn) is a missense variant. This variant has a MAF of 0.0009758 (0.09758%, 5/5124, 5124 alleles) in the East Asian subpopulation of the gnomAD cohort, which is between 0.00015 (0.015%) and 0.0015 (0.15%) (BS1). This missense variant has a REVEL score < 0.50 (0.316) and a SpliceAI score ≤ 0.20 (0.0) (BP4). In summary, this variant meets criteria to be classified as likely benign. ACMG/AMP criteria applied, as specified by the Myeloid Malignancy Variant Curation Expert Panel for RUNX1: BS1, BP4.

Labcorp Genetics (formerly Invitae), Labcorp
Classification: Likely benign for Hereditary thrombocytopenia and hematological cancer predisposition syndrome associated with RUNX1. Last evaluated: 2025-11-06. Review status: criteria provided, single submitter. Criteria: Invitae Variant Classification Sherloc (09022015). Collection method: clinical testing. Allele origin: germline. Not counted in ClinVar's aggregate classification.

GeneDx
Classification: Uncertain significance. Last evaluated: 2025-03-05. Review status: criteria provided, single submitter. Criteria: GeneDx Variant Classification Process June 2021. Collection method: clinical testing. Allele origin: germline. Affected: yes. Not counted in ClinVar's aggregate classification.
Comment: In silico analysis supports that this missense variant has a deleterious effect on protein structure/function; Co-observed with a RUNX1 frameshift variant, phase not determined, in an individual with myelodysplastic syndrome/myeloproliferative neoplasm (PMID: 33116596); This variant is associated with the following publications: (PMID: 25922291, 30510255, 31856217, 33116596)

Ambry Genetics
Classification: Benign for Inborn genetic diseases. Last evaluated: 2024-06-28. Review status: criteria provided, single submitter. Criteria: Ambry Variant Classification Scheme 2023. Collection method: clinical testing. Allele origin: germline. Not counted in ClinVar's aggregate classification.

Blueprint Genetics
Classification: Likely benign. Last evaluated: 2022-08-02. Review status: criteria provided, single submitter. Criteria: ACMG Guidelines, 2015. Collection method: clinical testing. Allele origin: germline. Not counted in ClinVar's aggregate classification.